The following is an entry in ClinVar:

NM_000264.5(PTCH1):c.3398_3400del (p.Thr1133_Leu1134delinsMet)

Gene: PTCH1 (patched 1; minus strand). Cytogenetic location: 9q22.32.
Variant type: Deletion.
Coding change: c.3398_3400del on transcript NM_000264.5 (MANE Select); coding-DNA positions 3398 to 3400, 3 bases deleted (CTC; older notation c.3398_3400delCTC).
Protein change: p.Thr1133_Leu1134delinsMet.
Molecular consequence: inframe indel. On other transcripts: non-coding transcript variant (1).
Genome position (GRCh38, 1-based): chr9:95,453,527-95,453,529, GAG deleted on the plus strand (CTC on the coding strand, the reverse complement: PTCH1 is on the minus strand). VCF-style (leftmost placement, unchanged base first): chr9-95453526-AGAG-A. GRCh37 (hg19) VCF-style: chr9-98215808-AGAG-A.
Other names: c.3200_3202del, p.Thr1067_Leu1068delinsMet (NM_001083602.3); c.3395_3397del, p.Thr1132_Leu1133delinsMet (NM_001083603.3); c.2945_2947del, p.Thr982_Leu983delinsMet (NM_001083604.3, NM_001083605.3, NM_001083606.3 and 1 more transcripts); c.3242_3244del, p.Thr1081_Leu1082delinsMet (NM_001354918.2).
Identifiers: ClinVar variation 1730956 (VCV001730956.2), dbSNP rs2538040664, ClinGen allele CA2580081157.

ClinVar aggregate classification (germline): Likely pathogenic (1 of 4 stars; one submission).

Conditions:
Hereditary cancer-predisposing syndrome. Also called: Neoplastic Syndromes, Hereditary; Tumor predisposition; Hereditary Cancer Syndrome; Hereditary neoplastic syndrome. Identifiers: Orphanet 140162, MedGen C0027672, MeSH D009386, MONDO:0015356.

Submission:

Ambry Genetics
Classification: Likely pathogenic for Hereditary cancer-predisposing syndrome. Last evaluated: 2022-05-24. Review status: criteria provided, single submitter. Criteria: Ambry Variant Classification Scheme 2023. Collection method: clinical testing. Allele origin: germline.
Comment: The c.3398_3400delCTC variant (also known as p.T1133_L1134delinsM) is located in coding exon 20 of the PTCH1 gene, which results from an in-frame CTC deletion at nucleotide positions 3398 to 3400. The amino acids at codons 1133 and 1134 are replaced by methionine. This alteration has been observed in at least one individual with a personal and/or family history that is consistent with PTCH1-related disease (Ambry internal data). Based on internal structural analysis, T1133_L1134delinsM disrupts a region of the PTCH1 transmembrane domain that is key to proper function and is in contact with an internally pathogenic variant (Ambry internal data; Rudolf AF et al. Nat Chem Biol. 2019 10;15:975-982; Petrov K et al. Dev Cell. 2020 11;55:314-327.e7; Kinnebrew M et al. Elife. 2021 10;10:). This amino acid region is highly conserved in available vertebrate species. In addition, this alteration is predicted to be deleterious by in silico analysis (Choi Y et al. PLoS ONE. 2012; 7(10):e46688). Based on the majority of available evidence to date, this variant is likely to be pathogenic

Literature cited by the submitters: PubMed 31548691; PubMed 32860743; PubMed 34698632.